The following is an entry in ClinVar:

ClinVar aggregate classification (germline): Uncertain significance (1 of 4 stars; one submission).

Submission:

Ambry Genetics
Classification: Uncertain significance. Last evaluated: 2024-08-31. Review status: criteria provided, single submitter. Criteria: Ambry Variant Classification Scheme 2023. Collection method: clinical testing. Allele origin: germline.
Comment: The p.N86T variant (also known as c.257A>C), located in coding exon 1 of the MLH3 gene, results from an A to C substitution at nucleotide position 257. The asparagine at codon 86 is replaced by threonine, an amino acid with similar properties. This amino acid position is conserved. In addition, this alteration is predicted to be tolerated by in silico analysis. Based on the available evidence, the clinical significance of this variant remains unclear.

NM_001040108.2(MLH3):c.257A>C (p.Asn86Thr)

Gene: MLH3 (mutL homolog 3; minus strand). Cytogenetic location: 14q24.3.
Variant type: single nucleotide variant.
Coding change: c.257A>C on transcript NM_001040108.2 (MANE Select); coding-DNA position 257, A replaced by C.
Protein change: p.Asn86Thr; replaces asparagine 86 with threonine.
Molecular consequence: missense variant.
Genome position (GRCh38, 1-based): chr14:75,049,399, T>G on the plus strand (A>C on the coding strand, the complement: MLH3 is on the minus strand). VCF-style: chr14-75049399-T-G. GRCh37 (hg19) VCF-style: chr14-75516102-T-G.
Other names: c.257A>C, p.Asn86Thr (NM_014381.3); short protein forms N86T.
Identifiers: ClinVar variation 3396703 (VCV003396703.1).
Genomic context (GRCh38, chr14:75,049,399, plus strand): 5'-GCACTGGCCATGTCAGCAATATTTGCCAAGGCCTCTCCTCGGAAACCATAAAACCTTGGA[T>G]TCTCCAAGTCCTGTACCGAGTGGCATTTACTGGTGAAATAACGATTTCCCACTTTCTCTA-3'
Protein context (NP_001035197.1, residues 76-96): SKCHSVQDLE[Asn86Thr]PRFYGFRGEA